The following is an entry in ClinVar:

NM_001039958.2(MESP2):c.88T>A (p.Ser30Thr)

Gene: MESP2 (mesoderm posterior bHLH transcription factor 2; plus strand). Cytogenetic location: 15q26.1.
Variant type: single nucleotide variant.
Coding change: c.88T>A on transcript NM_001039958.2 (MANE Select); coding-DNA position 88, T replaced by A.
Protein change: p.Ser30Thr; replaces serine 30 with threonine.
Molecular consequence: missense variant.
Genome position (GRCh38, 1-based): chr15:89,776,445, T>A. VCF-style: chr15-89776445-T-A. GRCh37 (hg19) VCF-style: chr15-90319676-T-A.
Other names: short protein forms S30T.
Identifiers: ClinVar variation 2058978 (VCV002058978.4), dbSNP rs1193180095, ClinGen allele CA393768995.
Genomic context (GRCh38, chr15:89,776,445, plus strand): 5'-CTCCTCGGCCACGACCACTGGATCTTCGCCCAGGGCTGGGGCTGGGCCGGCCACTGGGAC[T>A]CCACGTCCCCGGCCTCCTCCTCCGATTCGTCGGGTTCGTGCCCCTGCGACGGCGCCCGCG-3'
Protein context (NP_001035047.1, residues 20-40): QGWGWAGHWD[Ser30Thr]TSPASSSDSS

ClinVar aggregate classification (germline): Uncertain significance (1 of 4 stars; one submission).

Allele frequency attached by ClinVar (database versions not stated): TOPMed below 0.00001.

Submission:

Labcorp Genetics (formerly Invitae), Labcorp
Classification: Uncertain significance. Last evaluated: 2024-02-17. Review status: criteria provided, single submitter. Criteria: Invitae Variant Classification Sherloc (09022015). Collection method: clinical testing. Allele origin: germline.
Comment: This sequence change replaces serine, which is neutral and polar, with threonine, which is neutral and polar, at codon 30 of the MESP2 protein (p.Ser30Thr). This variant is not present in population databases (gnomAD no frequency). This variant has not been reported in the literature in individuals affected with MESP2-related conditions. ClinVar contains an entry for this variant (Variation ID: 2058978). An algorithm developed to predict the effect of missense changes on protein structure and function (PolyPhen-2) suggests that this variant is likely to be disruptive. In summary, the available evidence is currently insufficient to determine the role of this variant in disease. Therefore, it has been classified as a Variant of Uncertain Significance.